The following is an entry in ClinVar:

ClinVar aggregate classification (germline): Likely benign (1 of 4 stars; one submission).

gnomAD v4.1: 13 of 1,611,758 alleles (0.00081%); highest among the groups gnomAD compares: Admixed American, 0.0033%; no homozygotes.

Submission:

Mayo Clinic Laboratories, Mayo Clinic
Classification: Likely benign. Last evaluated: 2025-09-19. Review status: criteria provided, single submitter. Criteria: ACMG Guidelines, 2015. Collection method: clinical testing. Allele origin: germline. Observed: 1 variant allele.
Comment: BP4, BP7

NM_198241.3(EIF4G1):c.3294C>T (p.Ser1098=)

Gene: EIF4G1 (eukaryotic translation initiation factor 4 gamma 1; plus strand). Cytogenetic location: 3q27.1.
Variant type: single nucleotide variant.
Coding change: c.3294C>T on transcript NM_198241.3 (MANE Select); coding-DNA position 3294, C replaced by T.
Protein change: p.Ser1098=; no amino-acid change (serine 1098 retained).
Molecular consequence: synonymous variant.
Genome position (GRCh38, 1-based): chr3:184,326,598, C>T. VCF-style: chr3-184326598-C-T. GRCh37 (hg19) VCF-style: chr3-184044386-C-T.
Other names: p.Ser1098=; c.3315C>T, p.Ser1105= (NM_001194946.2, NM_001194947.2); c.3174C>T, p.Ser1058= (NM_001291157.2); c.2709C>T, p.Ser903= (NM_004953.5); c.3297C>T, p.Ser1099= (NM_182917.4); c.2802C>T, p.Ser934= (NM_198242.3); c.3033C>T, p.Ser1011= (NM_198244.3).
Identifiers: ClinVar variation 4684750 (VCV004684750.1).
Genomic context (GRCh38, chr3:184,326,598, plus strand): 5'-CGATTCTAACAACCAGCTCTTTGCACCTGGAGGGCGACTGAGCTGGGGCAAGGGCAGCAG[C>T]GGAGGCTCAGGAGCCAAGCCCTCAGACGCAGGTATGGAGGCAGTGTCAGGAGCTGGGTGG-3'
Protein context (NP_937884.2, residues 1088-1108): GGRLSWGKGS[Ser1098=]GGSGAKPSDA